The following is an entry in ClinVar:

ClinVar aggregate classification (germline): Uncertain significance (1 of 4 stars; one submission).

Conditions:
Hereditary cancer-predisposing syndrome. Also called: Neoplastic Syndromes, Hereditary; Tumor predisposition; Hereditary Cancer Syndrome; Hereditary neoplastic syndrome. Identifiers: Orphanet 140162, MedGen C0027672, MeSH D009386, MONDO:0015356.

Submission:

Ambry Genetics
Classification: Uncertain significance for Hereditary cancer-predisposing syndrome. Last evaluated: 2026-02-10. Review status: criteria provided, single submitter. Criteria: Ambry Variant Classification Scheme 2023. Collection method: clinical testing. Allele origin: germline.
Comment: The p.V313D variant (also known as c.938T>A), located in coding exon 10 of the POLE gene, results from a T to A substitution at nucleotide position 938. The valine at codon 313 is replaced by aspartic acid, an amino acid with highly dissimilar properties. This amino acid position is highly conserved in available vertebrate species. In addition, this alteration is predicted to be deleterious by in silico analysis. Based on the available evidence, the clinical significance of this variant remains unclear.

NM_006231.4(POLE):c.938T>A (p.Val313Asp)

Gene: POLE (DNA polymerase epsilon, catalytic subunit; minus strand). Cytogenetic location: 12q24.33.
Variant type: single nucleotide variant.
Coding change: c.938T>A on transcript NM_006231.4 (MANE Select); coding-DNA position 938, T replaced by A.
Protein change: p.Val313Asp; replaces valine 313 with aspartic acid.
Molecular consequence: missense variant.
Genome position (GRCh38, 1-based): chr12:132,676,176, A>T on the plus strand (T>A on the coding strand, the complement: POLE is on the minus strand). VCF-style: chr12-132676176-A-T. GRCh37 (hg19) VCF-style: chr12-133252762-A-T.
Other names: short protein forms V313D.
Identifiers: ClinVar variation 4844271 (VCV004844271.1).
Genomic context (GRCh38, chr12:132,676,176, plus strand): 5'-CAAAAGGGGCCTTCATATTCTGGCTTGGGGGTGAACTCAAAATCTTCAATATCTTCTGAA[A>T]CAATCTCCCTGTTGGTGATGAGGTAGCCCTAGCCAAGTTCATTAGCAATCAGCACAAGTC-3'
Protein context (NP_006222.2, residues 303-323): QGYLITNREI[Val313Asp]SEDIEDFEFT